The following is an entry in ClinVar:

NM_012200.4(B3GAT3):c.1006T>G (p.Ter336Gly)

Gene: B3GAT3 (beta-1,3-glucuronyltransferase 3; minus strand). Cytogenetic location: 11q12.3.
Variant type: single nucleotide variant.
Coding change: c.1006T>G on transcript NM_012200.4 (MANE Select); coding-DNA position 1006, T replaced by G.
Protein change: p.Ter336Gly.
Molecular consequence: stop lost. On other transcripts: 3 prime UTR variant (2), non-coding transcript variant (1).
Genome position (GRCh38, 1-based): chr11:62,615,703, A>C on the plus strand (T>G on the coding strand, the complement: B3GAT3 is on the minus strand). VCF-style: chr11-62615703-A-C. GRCh37 (hg19) VCF-style: chr11-62383175-A-C.
Other names: c.985T>G, p.Ter329Gly (NM_001288721.2); c.*483T>G (NM_001288722.2); c.*499T>G (NM_001288723.2).
Identifiers: ClinVar variation 2092412 (VCV002092412.4), dbSNP rs2496231472, ClinGen allele CA380973842.
Genomic context (GRCh38, chr11:62,615,703, plus strand): 5'-GGCCCAGTCCCACAAGGTCTGTGCCTGAAAAGAGGTGGTAGTTGGGGTGGGGCCGCCATC[A>C]CACCTCAATTGCTGGGTCTGAGCCCCGGCCCTGCCGCTGCAGCTGCTCCTCCTGCTTCAT-3'

ClinVar aggregate classification (germline): Uncertain significance (1 of 4 stars; one submission).

Conditions:
Larsen-like syndrome, B3GAT3 type. Also called: MULTIPLE JOINT DISLOCATIONS, SHORT STATURE, AND CRANIOFACIAL DYSMORPHISM WITH OR WITHOUT CONGENITAL HEART DEFECTS; Multiple joint dislocations, short stature, craniofacial dysmorphism, with or without congenital heart defects. Identifiers: Orphanet 284139, MedGen CN034159, MONDO:0009511, OMIM 245600.

Submission:

Labcorp Genetics (formerly Invitae), Labcorp
Classification: Uncertain significance for Larsen-like syndrome, B3GAT3 type. Last evaluated: 2022-02-03. Review status: criteria provided, single submitter. Criteria: Invitae Variant Classification Sherloc (09022015). Collection method: clinical testing. Allele origin: germline.
Comment: In summary, the available evidence is currently insufficient to determine the role of this variant in disease. Therefore, it has been classified as a Variant of Uncertain Significance. This variant has not been reported in the literature in individuals affected with B3GAT3-related conditions. This variant is not present in population databases (gnomAD no frequency). This sequence change disrupts the translational stop signal of the B3GAT3 mRNA. It is expected to extend the length of the B3GAT3 protein by 56 additional amino acid residues.